The following is an entry in ClinVar:

ClinVar aggregate classification (germline): Uncertain significance (1 of 4 stars; one submission).

Conditions:
Neurodevelopmental disorder with regression, abnormal movements, loss of speech, and seizures. Identifiers: Orphanet 597623, MedGen C4748127, MONDO:0060759, OMIM 618088.

Submission:

Baylor Genetics
Classification: Uncertain significance for Neurodevelopmental disorder with regression, abnormal movements, loss of speech, and seizures. Last evaluated: 2020-05-05. Review status: criteria provided, single submitter. Criteria: ACMG Guidelines, 2015. Collection method: clinical testing. Allele origin: unknown. Affected: yes.
Comment: This variant was determined to be of uncertain significance according to ACMG Guidelines, 2015 [PMID:25741868].

NM_024496.4(IRF2BPL):c.764A>T (p.Asn255Ile)

Gene: IRF2BPL (interferon regulatory factor 2 binding protein like; minus strand). Cytogenetic location: 14q24.3.
Variant type: single nucleotide variant.
Coding change: c.764A>T on transcript NM_024496.4 (MANE Select); coding-DNA position 764, A replaced by T.
Protein change: p.Asn255Ile; replaces asparagine 255 with isoleucine.
Molecular consequence: missense variant.
Genome position (GRCh38, 1-based): chr14:77,027,029, T>A on the plus strand (A>T on the coding strand, the complement: IRF2BPL is on the minus strand). VCF-style: chr14-77027029-T-A. GRCh37 (hg19) VCF-style: chr14-77493372-T-A.
Other names: short protein forms N255I.
Identifiers: ClinVar variation 1029899 (VCV001029899.1), dbSNP rs987595336, ClinGen allele CA390498621.
Genomic context (GRCh38, chr14:77,027,029, plus strand): 5'-GGGGGTGGGGGGAGTACCGCAGCGCTGGCCGGGCCGTTAAGCAGCGTCTGCGGTAGCAGG[T>A]TGGGGGGCACGGTGAGCTGGGGGCCTCCGCCACCCCCCGGGTTGGGCAGCCCCGTAACCA-3'
Protein context (NP_078772.1, residues 245-265): GGGPQLTVPP[Asn255Ile]LLPQTLLNGP